The following is an entry in ClinVar:

NM_025074.7(FRAS1):c.9827T>C (p.Val3276Ala)

Gene: FRAS1 (Fraser extracellular matrix complex subunit 1; plus strand). Cytogenetic location: 4q21.21.
Variant type: single nucleotide variant.
Coding change: c.9827T>C on transcript NM_025074.7 (MANE Select); coding-DNA position 9827, T replaced by C.
Protein change: p.Val3276Ala; replaces valine 3276 with alanine.
Molecular consequence: missense variant.
Genome position (GRCh38, 1-based): chr4:78,511,320, T>C. VCF-style: chr4-78511320-T-C. GRCh37 (hg19) VCF-style: chr4-79432474-T-C.
Other names: short protein forms V3276A.
Identifiers: ClinVar variation 906577 (VCV000906577.17), dbSNP rs78006948, ClinGen allele CA2978780.
Genomic context (GRCh38, chr4:78,511,320, plus strand): 5'-TTTCTTCCTGTTAGGTCCTGGACAGCATTTACTTCAGCCGGAGGTTCCATGTGCGTTGTG[T>C]GGCCAAGGCTGTGGACAAGGTGGGCCATGTGGGGACCCCCTTAAGGAGCAACATTGTTAC-3'
Protein context (NP_079350.5, residues 3266-3286): YFSRRFHVRC[Val3276Ala]AKAVDKVGHV

ClinVar aggregate classification (germline): Conflicting classifications of pathogenicity. Review status: criteria provided, conflicting classifications (1 of 4 stars). 9 submissions from 9 submitters: Uncertain significance (4); Likely benign (2). 3 of the submissions do not count toward it. Last evaluated 2026-01-01.

Conditions:
Fraser syndrome 1 (FRASRS1). Also called: CRYPTOPHTHALMOS WITH OTHER MALFORMATIONS. Identifiers: Orphanet 2052, MedGen C4551480, MONDO:0054737, OMIM 219000.
Inborn genetic diseases. Identifiers: MedGen C0950123, MeSH D030342.

Allele frequency attached by ClinVar (database versions not stated): ESP Exome Variant Server 0.00032; ExAC 0.00038; gnomAD exomes 0.00041 and 0.00110; 1000 Genomes Project 30x 0.00047; TOPMed 0.00050; 1000 Genomes Project 0.00060; gnomAD 0.00061 and 0.00064.
gnomAD v4.1: 1,641 of 1,610,356 alleles (0.1%); highest among the groups gnomAD compares: Non-Finnish European, 0.13%; 1 homozygote.

Submissions (9):

CeGaT Center for Human Genetics Tuebingen
Classification: Likely benign. Last evaluated: 2026-01-01. Review status: criteria provided, single submitter. Criteria: CeGaT Center For Human Genetics Tuebingen Variant Classification Criteria Version 2. Collection method: clinical testing. Allele origin: germline. Affected: yes. Observed: 1 variant allele.
Comment: FRAS1: BS2

Ambry Genetics
Classification: Uncertain significance for Inborn genetic diseases. Last evaluated: 2025-08-04. Review status: criteria provided, single submitter. Criteria: Ambry Variant Classification Scheme 2023. Collection method: clinical testing. Allele origin: germline.

Fulgent Genetics
Classification: Likely benign for Fraser syndrome 1. Last evaluated: 2024-03-11. Review status: criteria provided, single submitter. Criteria: ACMG Guidelines, 2015. Collection method: clinical testing. Allele origin: germline.

Labcorp Genetics (formerly Invitae), Labcorp
Classification: Uncertain significance. Last evaluated: 2022-08-03. Review status: criteria provided, single submitter. Criteria: Invitae Variant Classification Sherloc (09022015). Collection method: clinical testing. Allele origin: germline.
Comment: This sequence change replaces valine, which is neutral and non-polar, with alanine, which is neutral and non-polar, at codon 3276 of the FRAS1 protein (p.Val3276Ala). This variant is present in population databases (rs78006948, gnomAD 0.08%), and has an allele count higher than expected for a pathogenic variant. This variant has not been reported in the literature in individuals affected with FRAS1-related conditions. ClinVar contains an entry for this variant (Variation ID: 906577). Algorithms developed to predict the effect of missense changes on protein structure and function (SIFT, PolyPhen-2, Align-GVGD) all suggest that this variant is likely to be disruptive. In summary, the available evidence is currently insufficient to determine the role of this variant in disease. Therefore, it has been classified as a Variant of Uncertain Significance.

GeneDx
Classification: Uncertain significance. Last evaluated: 2020-09-24. Review status: criteria provided, single submitter. Criteria: GeneDx Variant Classification Process June 2021. Collection method: clinical testing. Allele origin: germline. Affected: yes.
Comment: In silico analysis supports that this missense variant does not alter protein structure/function; Has not been previously published as pathogenic or benign to our knowledge

Illumina Laboratory Services, Illumina
Classification: Uncertain significance for Fraser syndrome 1. Last evaluated: 2018-01-13. Review status: criteria provided, single submitter. Criteria: ICSL Variant Classification Criteria 13 December 2019. Collection method: clinical testing. Allele origin: germline.

Clinical Genetics DNA and cytogenetics Diagnostics Lab, Erasmus MC, Erasmus Medical Center
Classification: Uncertain significance. Review status: no assertion criteria provided. Collection method: clinical testing. Allele origin: germline. Affected: yes. Study: VKGL Data-share Consensus. Not counted in ClinVar's aggregate classification.

Genome Diagnostics Laboratory, University Medical Center Utrecht
Classification: Uncertain significance. Review status: no assertion criteria provided. Collection method: clinical testing. Allele origin: germline. Affected: yes. Study: VKGL Data-share Consensus. Not counted in ClinVar's aggregate classification.

Laboratory of Diagnostic Genome Analysis, Leiden University Medical Center (LUMC)
Classification: Uncertain significance. Review status: no assertion criteria provided. Collection method: clinical testing. Allele origin: germline. Affected: yes. Study: VKGL Data-share Consensus. Not counted in ClinVar's aggregate classification.